The following is an entry in ClinVar:

ClinVar aggregate classification (germline): Uncertain significance. Review status: criteria provided, multiple submitters, no conflicts (2 of 4 stars). 4 submissions from 4 submitters: Uncertain significance (4). Last evaluated 2025-11-15.

Conditions:
Dyskeratosis congenita. Identifiers: Orphanet 1775, MedGen C0265965, MONDO:0015780.
Dyskeratosis congenita, autosomal dominant 2. Identifiers: MedGen C3151443, MONDO:0013521, OMIM 613989.
Idiopathic Pulmonary Fibrosis. Also called: Idiopathic fibrosing alveolitis, chronic form; idiopathic fibrosing alveolitis. Identifiers: Orphanet 2032, MedGen C1800706, MeSH D054990, MONDO:0800504.

Allele frequency attached by ClinVar (database versions not stated): gnomAD exomes below 0.00001 and 0.00001; ExAC 0.00002; gnomAD 0.00003; TOPMed 0.00003; ESP Exome Variant Server 0.00008.
gnomAD v4.1: 10 of 1,612,776 alleles (0.00062%); highest among the groups gnomAD compares: Non-Finnish European, 0.00085%; no homozygotes.

Submissions (4):

Labcorp Genetics (formerly Invitae), Labcorp
Classification: Uncertain significance for Dyskeratosis congenita, autosomal dominant 2; Idiopathic Pulmonary Fibrosis. Last evaluated: 2025-11-15. Review status: criteria provided, single submitter. Criteria: Invitae Variant Classification Sherloc (09022015). Collection method: clinical testing. Allele origin: germline.
Comment: This sequence change replaces serine, which is neutral and polar, with phenylalanine, which is neutral and non-polar, at codon 796 of the TERT protein (p.Ser796Phe). This variant is present in population databases (rs369810792, gnomAD 0.002%). This variant has not been reported in the literature in individuals affected with TERT-related conditions. ClinVar contains an entry for this variant (Variation ID: 834920). Invitae Evidence Modeling of protein sequence and biophysical properties (such as structural, functional, and spatial information, amino acid conservation, physicochemical variation, residue mobility, and thermodynamic stability) indicates that this missense variant is not expected to disrupt TERT protein function with a negative predictive value of 95%. In summary, the available evidence is currently insufficient to determine the role of this variant in disease. Therefore, it has been classified as a Variant of Uncertain Significance.

Ambry Genetics
Classification: Uncertain significance for Dyskeratosis congenita. Last evaluated: 2025-06-30. Review status: criteria provided, single submitter. Criteria: Ambry Variant Classification Scheme 2023. Collection method: clinical testing. Allele origin: germline.
Comment: The p.S796F variant (also known as c.2387C>T), located in coding exon 8 of the TERT gene, results from a C to T substitution at nucleotide position 2387. The serine at codon 796 is replaced by phenylalanine, an amino acid with highly dissimilar properties. This amino acid position is poorly conserved in available vertebrate species. In addition, this alteration is predicted to be tolerated by in silico analysis. Based on the available evidence, the clinical significance of this variant remains unclear.

GeneDx
Classification: Uncertain significance. Last evaluated: 2024-02-06. Review status: criteria provided, single submitter. Criteria: GeneDx Variant Classification Process June 2021. Collection method: clinical testing. Allele origin: germline. Affected: yes.
Comment: Not observed at significant frequency in large population cohorts (gnomAD); In silico analysis supports that this missense variant does not alter protein structure/function; Has not been previously published as pathogenic or benign to our knowledge

Baylor Genetics
Classification: Uncertain significance for Dyskeratosis congenita, autosomal dominant 2. Last evaluated: 2023-11-30. Review status: criteria provided, single submitter. Criteria: ACMG Guidelines, 2015. Collection method: clinical testing. Allele origin: unknown.

NM_198253.3(TERT):c.2387C>T (p.Ser796Phe)

Gene: TERT (telomerase reverse transcriptase; minus strand). Cytogenetic location: 5p15.33.
Variant type: single nucleotide variant.
Coding change: c.2387C>T on transcript NM_198253.3 (MANE Select); coding-DNA position 2387, C replaced by T.
Protein change: p.Ser796Phe; replaces serine 796 with phenylalanine.
Molecular consequence: missense variant.
Genome position (GRCh38, 1-based): chr5:1,271,200, G>A on the plus strand (C>T on the coding strand, the complement: TERT is on the minus strand). VCF-style: chr5-1271200-G-A. GRCh37 (hg19) VCF-style: chr5-1271315-G-A.
Other names: c.2387C>T, p.Ser796Phe (NM_001193376.3); short protein forms S796F.
Identifiers: ClinVar variation 834920 (VCV000834920.14), dbSNP rs369810792, ClinGen allele CA3184525.